The following is an entry in ClinVar:

NM_001042492.3(NF1):c.2223del (p.Phe741fs)

Gene: NF1 (neurofibromin 1; plus strand). Cytogenetic location: 17q11.2.
Variant type: Deletion.
Coding change: c.2223del on transcript NM_001042492.3 (MANE Select); coding-DNA position 2223, one base deleted (T; older notation c.2223delT).
Protein change: p.Phe741fs; shifts the reading frame from phenylalanine 741.
Molecular consequence: frameshift variant.
Genome position (GRCh38, 1-based): chr17:31,226,656, T deleted; the last of 3 consecutive T bases (chr17:31,226,654-31,226,656); deleting any one gives the same sequence. VCF-style (leftmost placement, unchanged base first): chr17-31226653-GT-G. GRCh37 (hg19) VCF-style: chr17-29553671-GT-G.
Other names: c.2223del, p.Phe741fs (NM_000267.4); short protein forms F741fs.
Identifiers: ClinVar variation 4729472 (VCV004729472.1).

ClinVar aggregate classification (germline): Pathogenic (1 of 4 stars; one submission).

Conditions:
Neurofibromatosis, type 1 (NF1). Also called: VON RECKLINGHAUSEN DISEASE; Peripheral type neurofibromatosis; NEUROFIBROMATOSIS, TYPE I, SOMATIC; Neurofibromatosis, type I. Identifiers: Orphanet 636, MedGen C0027831, MONDO:0018975, OMIM 162200. Disease mechanism: loss of function.

Submission:

Labcorp Genetics (formerly Invitae), Labcorp
Classification: Pathogenic for Neurofibromatosis, type 1. Last evaluated: 2025-10-18. Review status: criteria provided, single submitter. Criteria: Invitae Variant Classification Sherloc (09022015). Collection method: clinical testing. Allele origin: germline.
Comment: This sequence change creates a premature translational stop signal (p.Phe741Leufs*7) in the NF1 gene. It is expected to result in an absent or disrupted protein product. Loss-of-function variants in NF1 are known to be pathogenic (PMID: 10712197, 23913538). This variant is not present in population databases (gnomAD no frequency). This variant has not been reported in the literature in individuals affected with NF1-related conditions. For these reasons, this variant has been classified as Pathogenic.

Literature cited by the submitters: PubMed 10712197; PubMed 23913538.